The following is an entry in ClinVar:

ClinVar aggregate classification (germline): Conflicting classifications of pathogenicity. Review status: criteria provided, conflicting classifications (1 of 4 stars). 6 submissions from 6 submitters: Uncertain significance (5); Likely benign (1). Last evaluated 2026-08-10.

Conditions:
Hereditary cancer-predisposing syndrome. Also called: Neoplastic Syndromes, Hereditary; Hereditary Cancer Syndrome; Hereditary neoplastic syndrome; Tumor predisposition. Identifiers: Orphanet 140162, MedGen C0027672, MeSH D009386, MONDO:0015356.
Familial thoracic aortic aneurysm and aortic dissection (TAAD). Also called: Thoracic aortic aneurysms and dissections. Identifiers: Orphanet 91387, MedGen C4707243, MONDO:0019625.
Juvenile polyposis/hereditary hemorrhagic telangiectasia syndrome (JPHT). Also called: JP/HHT SYNDROME; JUVENILE POLYPOSIS WITH HEREDITARY HEMORRHAGIC TELANGIECTASIA; Juvenile Polyposis Syndrome / Hereditary Hemorrhagic Telangiectasia (JPS/HHT); POLYPOSIS, GENERALIZED JUVENILE, WITH PULMONARY ARTERIOVENOUS MALFORMATION; TELANGIECTASIA, HEREDITARY HEMORRHAGIC, WITH JUVENILE POLYPOSIS COLI. Identifiers: Orphanet 2929, MedGen C1832942, MONDO:0008278, OMIM 175050.
Juvenile polyposis syndrome (JPS). Identifiers: Orphanet 2929, MedGen C0345893, MONDO:0017380, OMIM 174900.

Allele frequency attached by ClinVar (database versions not stated): gnomAD exomes below 0.00001; gnomAD 0.00001; TOPMed 0.00001.

Submissions (6):

Ambry Genetics
Classification: Uncertain significance for Hereditary cancer-predisposing syndrome; Familial thoracic aortic aneurysm and aortic dissection. Last evaluated: 2026-08-10. Review status: criteria provided, single submitter. Criteria: Ambry Variant Classification Scheme 2023. Collection method: clinical testing. Allele origin: germline.
Comment: The p.H405Y variant (also known as c.1213C>T), located in coding exon 9 of the SMAD4 gene, results from a C to T substitution at nucleotide position 1213. The histidine at codon 405 is replaced by tyrosine, an amino acid with similar properties. This variant was detected as heterozygous in individual(s) with no reported features of juvenile polyposis/hereditary hemorrhagic telangiectasia syndrome (Ambry internal data). This amino acid position is highly conserved in available vertebrate species. In addition, this alteration is predicted to be deleterious by in silico analysis. Based on the available evidence, the clinical significance of this variant remains unclear.

Labcorp Genetics (formerly Invitae), Labcorp
Classification: Likely benign for Juvenile polyposis syndrome. Last evaluated: 2025-11-18. Review status: criteria provided, single submitter. Criteria: Invitae Variant Classification Sherloc (09022015). Collection method: clinical testing. Allele origin: germline.

Color Diagnostics, LLC DBA Color Health
Classification: Uncertain significance for Hereditary cancer-predisposing syndrome. Last evaluated: 2023-12-04. Review status: criteria provided, single submitter. Criteria: ACMG Guidelines, 2015. Collection method: clinical testing. Allele origin: germline.
Comment: This missense variant replaces histidine with tyrosine at codon 405 of the SMAD4 protein. Computational prediction suggests that this variant may have deleterious impact on protein structure and function (internally defined REVEL score threshold >= 0.7, PMID: 27666373). To our knowledge, functional studies have not been reported for this variant. This variant has not been reported in individuals affected with SMAD4-related disorders in the literature. This variant has been identified in 2/282852 chromosomes in the general population by the Genome Aggregation Database (gnomAD). The available evidence is insufficient to determine the role of this variant in disease conclusively. Therefore, this variant is classified as a Variant of Uncertain Significance.

Baylor Genetics
Classification: Uncertain significance for Juvenile polyposis/hereditary hemorrhagic telangiectasia syndrome. Last evaluated: 2023-10-01. Review status: criteria provided, single submitter. Criteria: ACMG Guidelines, 2015. Collection method: clinical testing. Allele origin: unknown.

AiLife Diagnostics
Classification: Uncertain significance. Last evaluated: 2022-01-27. Review status: criteria provided, single submitter. Criteria: ACMG Guidelines, 2015. Collection method: clinical testing. Allele origin: germline. Affected: yes. Observed: 1 variant allele.

GeneDx
Classification: Uncertain significance. Last evaluated: 2021-11-30. Review status: criteria provided, single submitter. Criteria: GeneDx Variant Classification Process June 2021. Collection method: clinical testing. Allele origin: germline. Affected: yes.
Comment: Not observed at significant frequency in large population cohorts (Lek 2016); In silico analysis supports that this missense variant has a deleterious effect on protein structure/function; Has not been previously published as pathogenic or benign to our knowledge; This variant is associated with the following publications: (PMID: 17873119, 15235019, 18823382)

NM_005359.6(SMAD4):c.1213C>T (p.His405Tyr)

Gene: SMAD4 (SMAD family member 4; plus strand). Cytogenetic location: 18q21.2.
Variant type: single nucleotide variant.
Coding change: c.1213C>T on transcript NM_005359.6 (MANE Select); coding-DNA position 1213, C replaced by T.
Protein change: p.His405Tyr; replaces histidine 405 with tyrosine.
Molecular consequence: missense variant.
Genome position (GRCh38, 1-based): chr18:51,067,092, C>T. VCF-style: chr18-51067092-C-T. GRCh37 (hg19) VCF-style: chr18-48593462-C-T.
Other names: short protein forms H405Y.
Identifiers: ClinVar variation 652695 (VCV000652695.21), dbSNP rs1179609154, ClinGen allele CA402464872.